The following is an entry in ClinVar:

NM_032043.3(BRIP1):c.2996G>A (p.Arg999Lys)

Gene: BRIP1 (BRCA1 interacting DNA helicase 1; minus strand). Cytogenetic location: 17q23.2.
Variant type: single nucleotide variant.
Coding change: c.2996G>A on transcript NM_032043.3 (MANE Select); coding-DNA position 2996, G replaced by A.
Protein change: p.Arg999Lys; replaces arginine 999 with lysine.
Molecular consequence: missense variant.
Genome position (GRCh38, 1-based): chr17:61,684,050, C>T on the plus strand (G>A on the coding strand, the complement: BRIP1 is on the minus strand). VCF-style: chr17-61684050-C-T. GRCh37 (hg19) VCF-style: chr17-59761411-C-T.
Other names: short protein forms R999K.
Identifiers: ClinVar variation 1798577 (VCV001798577.2), dbSNP rs1603275620, ClinGen allele CA400480033.

ClinVar aggregate classification (germline): Uncertain significance (1 of 4 stars; one submission).

Conditions:
Hereditary cancer-predisposing syndrome. Also called: Neoplastic Syndromes, Hereditary; Tumor predisposition; Hereditary Cancer Syndrome; Hereditary neoplastic syndrome. Identifiers: Orphanet 140162, MedGen C0027672, MeSH D009386, MONDO:0015356.

Submission:

Ambry Genetics
Classification: Uncertain significance for Hereditary cancer-predisposing syndrome. Last evaluated: 2020-05-27. Review status: criteria provided, single submitter. Criteria: Ambry Variant Classification Scheme 2023. Collection method: clinical testing. Allele origin: germline.
Comment: The p.R999K variant (also known as c.2996G>A), located in coding exon 19 of the BRIP1 gene, results from a G to A substitution at nucleotide position 2996. The arginine at codon 999 is replaced by lysine, an amino acid with highly similar properties. In addition, this alteration is predicted to be tolerated by in silico analysis. Since supporting evidence is limited at this time, the clinical significance of this alteration remains unclear.